The following is an entry in ClinVar:

ClinVar aggregate classification (germline): Uncertain significance (1 of 4 stars; one submission).

Submission:

Labcorp Genetics (formerly Invitae), Labcorp
Classification: Uncertain significance. Last evaluated: 2024-09-16. Review status: criteria provided, single submitter. Criteria: Invitae Variant Classification Sherloc (09022015). Collection method: clinical testing. Allele origin: germline.
Comment: This variant results in the deletion of part of exon 9 (c.950-502_1022del) of the RECQL gene. It is expected to disrupt RNA splicing. Variants that disrupt the donor or acceptor splice site typically lead to a loss of protein function (PMID: 16199547), however the current clinical and genetic evidence is not sufficient to establish whether loss-of-function variants in RECQL cause disease. This variant is not present in population databases (gnomAD no frequency). This variant has not been reported in the literature in individuals affected with RECQL-related conditions. In summary, the available evidence is currently insufficient to determine the role of this variant in disease. Therefore, it has been classified as a Variant of Uncertain Significance.

Literature cited by the submitters: PubMed 16199547.

NM_002907.4(RECQL):c.950-502_1022del

Gene: RECQL (RecQ like helicase; minus strand). Cytogenetic location: 12p12.1.
Variant type: Deletion.
Coding change: c.950-502_1022del on transcript NM_002907.4 (MANE Select); 502 bases into the intron before coding-DNA position 950 through coding-DNA position 1022, 575 bases deleted.
Molecular consequence: splice acceptor variant.
Genome position (GRCh38, 1-based): chr12:21,475,752-21,476,326, 575 bases deleted. GRCh37 (hg19): chr12:21,628,686-21,629,260.
Other names: c.950-502_1022del (NM_032941.3).
Identifiers: ClinVar variation 2007495 (VCV002007495.4), dbSNP rs2540346591, ClinGen allele CA2580085301.